The following is an entry in ClinVar:

NM_000414.4(HSD17B4):c.167delinsCT (p.Asp56fs)

Gene: HSD17B4 (hydroxysteroid 17-beta dehydrogenase 4; plus strand). Cytogenetic location: 5q23.1.
Variant type: Indel.
Coding change: c.167delinsCT on transcript NM_000414.4 (MANE Select); coding-DNA position 167, A replaced by CT.
Protein change: p.Asp56fs; shifts the reading frame from aspartic acid 56.
Molecular consequence: frameshift variant. On other transcripts: 5 prime UTR variant (6), non-coding transcript variant (2).
Genome position (GRCh38, 1-based): chr5:119,473,962, A replaced by CT. VCF-style: chr5-119473962-A-CT. GRCh37 (hg19) VCF-style: chr5-118809657-A-CT.
Other names: c.242delinsCT, p.Asp81fs (NM_001199291.3); c.113delinsCT, p.Asp38fs (NM_001199292.2); c.95delinsCT, p.Asp32fs (NM_001292027.2); c.-245delinsCT (NM_001292028.2, NM_001374501.1); c.167delinsCT, p.Asp56fs (NM_001374497.1, NM_001374498.1); c.-114delinsCT (NM_001374499.1); c.-372delinsCT (NM_001374500.1); c.-250delinsCT (NM_001374502.1, NM_001374503.1); short protein forms D32fs, D38fs, D56fs, D81fs.
Identifiers: ClinVar variation 1725912 (VCV001725912.3), dbSNP rs2531599204, ClinGen allele CA2580072390.

ClinVar aggregate classification (germline): Likely pathogenic (1 of 4 stars; one submission).

Conditions:
Bifunctional peroxisomal enzyme deficiency (DBIF). Also called: DBP DEFICIENCY; PBFE DEFICIENCY; D-bifunctional protein deficiency. Identifiers: Orphanet 300, MedGen C0342870, MONDO:0009855, OMIM 261515. Disease mechanism: loss of function.

Submission:

Myriad Genetics, Inc.
Classification: Likely pathogenic for Bifunctional peroxisomal enzyme deficiency. Last evaluated: 2022-04-13. Review status: criteria provided, single submitter. Criteria: Myriad Autosomal Dominant, Autosomal Recessive and X-Linked Classification Criteria (2023). Collection method: clinical testing. Allele origin: unknown.
Comment: NM_000414.3(HSD17B4):c.167delAinsCT(D56Afs*2) is expected to be pathogenic in the context of HSD17B4-related disorders. This variant is predicted to lead to an abnormal or absent protein product due to the creation of a premature termination codon in HSD17B4, a gene where loss-of-function variants are known to be pathogenic. Please note: this variant was assessed in the context of healthy population screening.